The following is an entry in ClinVar:

NM_024577.4(SH3TC2):c.3380G>A (p.Arg1127Gln)

Gene: SH3TC2 (SH3 domain and tetratricopeptide repeats 2; minus strand). Cytogenetic location: 5q32.
Variant type: single nucleotide variant.
Coding change: c.3380G>A on transcript NM_024577.4 (MANE Select); coding-DNA position 3380, G replaced by A.
Protein change: p.Arg1127Gln; replaces arginine 1127 with glutamine.
Molecular consequence: missense variant.
Genome position (GRCh38, 1-based): chr5:149,008,949, C>T on the plus strand (G>A on the coding strand, the complement: SH3TC2 is on the minus strand). VCF-style: chr5-149008949-C-T. GRCh37 (hg19) VCF-style: chr5-148388512-C-T.
Other names: short protein forms R1127Q.
Identifiers: ClinVar variation 234414 (VCV000234414.84), dbSNP rs139192433, ClinGen allele CA3498756.
Genomic context (GRCh38, chr5:149,008,949, plus strand): 5'-TCCAAAGCCTTCTCATAGCCTTCGAGGCTAATCTGCAGCTCTGTCAGCTTATTGAAAATC[C>T]GGAGCTCAGTTCTCACCGCCTTCAACCTCCTTGCTAAAGGAACAGCTCCAGCCTAGGAAC-3'
Protein context (NP_078853.2, residues 1117-1137): RRLKAVRTEL[Arg1127Gln]IFNKLTELQI

ClinVar aggregate classification (germline): Conflicting classifications of pathogenicity. Review status: criteria provided, conflicting classifications (1 of 4 stars). 16 submissions from 14 submitters: Likely pathogenic (1); Uncertain significance (9); Likely benign (6). Last evaluated 2026-04-01.

Conditions:
SH3TC2-related disorder. Also called: SH3TC2-related disorders; SH3TC2-related condition. Identifiers: MedGen CN239303.
Inborn genetic diseases. Identifiers: MedGen C0950123, MeSH D030342.
Delayed speech and language development. Also called: Language delay. Identifiers: MedGen C0454644, HP:0000750.
Tip-toe gait. Also called: Toe walking. Identifiers: MedGen C0427144, HP:0030051.
limited range of motion of the upper ankle.
Pes cavus. Identifiers: MedGen C0728829, HP:0001761.
Charcot-Marie-Tooth disease. Also called: Charcot-Marie-Tooth Hereditary Neuropathy; Charcot-Marie-Tooth Neuropathy. Identifiers: Orphanet 166, MedGen C0007959, MONDO:0015626.
Charcot-Marie-Tooth disease type 4. Also called: Charcot-Marie-Tooth disease, type IV; Charcot-Marie-Tooth, Type 4. Identifiers: Orphanet 64749, MedGen C4082197, MONDO:0018995.
Susceptibility to mononeuropathy of the median nerve, mild. Also called: CARPAL TUNNEL SYNDROME, SUSCEPTIBILITY TO. Identifiers: MedGen C3150596, MONDO:0013237, OMIM 613353.
Charcot-Marie-Tooth disease type 4C (CMT4C). Also called: SH3TC2-Related Hereditary Motor and Sensory Neuropathy; CMT 4C; Charcot-Marie-Tooth Neuropathy Type 4C (CMT4C); CHARCOT-MARIE-TOOTH DISEASE, DEMYELINATING, TYPE 4C; CHARCOT-MARIE-TOOTH DISEASE, DEMYELINATING, AUTOSOMAL RECESSIVE, TYPE 4C. Identifiers: Orphanet 99949, MedGen C1866636, MONDO:0011113, OMIM 601596.

Allele frequency attached by ClinVar (database versions not stated): 1000 Genomes Project 0.00040; 1000 Genomes Project 30x 0.00062; ExAC 0.00090; TOPMed 0.00097; gnomAD 0.00102 and 0.00108; ESP Exome Variant Server 0.00161.
gnomAD v4.1: 3,172 of 1,614,198 alleles (0.2%); highest among the groups gnomAD compares: Non-Finnish European, 0.26%; 7 homozygotes.

Submissions 1 to 11 of 16:

CeGaT Center for Human Genetics Tuebingen
Classification: Likely benign. Last evaluated: 2026-04-01. Review status: criteria provided, single submitter. Criteria: CeGaT Center For Human Genetics Tuebingen Variant Classification Criteria Version 2. Collection method: clinical testing. Allele origin: germline. Affected: yes. Observed: 6 variant alleles.
Comment: SH3TC2: BS2

Labcorp Genetics (formerly Invitae), Labcorp
Classification: Likely benign for Charcot-Marie-Tooth disease type 4. Last evaluated: 2026-01-28. Review status: criteria provided, single submitter. Criteria: Invitae Variant Classification Sherloc (09022015). Collection method: clinical testing. Allele origin: germline.

Ambry Genetics
Classification: Uncertain significance for Inborn genetic diseases. Last evaluated: 2025-10-24. Review status: criteria provided, single submitter. Criteria: Ambry Variant Classification Scheme 2023. Collection method: clinical testing. Allele origin: germline.

Mayo Clinic Laboratories, Mayo Clinic
Classification: Uncertain significance. Last evaluated: 2025-09-04. Review status: criteria provided, single submitter. Criteria: ACMG Guidelines, 2015. Collection method: clinical testing. Allele origin: germline. Observed: 6 variant alleles.
Comment: BS1

Athena Diagnostics
Classification: Likely benign. Last evaluated: 2025-07-23. Review status: criteria provided, single submitter. Criteria: Athena Diagnostics Criteria. Collection method: clinical testing. Allele origin: unknown.
Comment: The frequency of this variant in the general population is higher than would generally be expected for pathogenic variants in this gene. This variant has been seen where an alternate explanation for disease was also identified.

PreventionGenetics, part of Exact Sciences
Classification: Likely benign for SH3TC2-related condition. Last evaluated: 2025-04-07. Review status: criteria provided, single submitter. Criteria: ACMG Guidelines, 2015. Collection method: clinical testing. Allele origin: germline.
Comment: This variant is classified as likely benign based on ACMG/AMP sequence variant interpretation guidelines (Richards et al. 2015 PMID: 25741868, with internal and published modifications).

Women's Health and Genetics/Laboratory Corporation of America, LabCorp
Classification: Likely benign. Last evaluated: 2025-01-07. Review status: criteria provided, single submitter. Criteria: LabCorp Variant Classification Summary - May 2015. Collection method: clinical testing. Allele origin: germline.
Comment: Variant summary: SH3TC2 c.3380G>A (p.Arg1127Gln) results in a conservative amino acid change in the encoded protein sequence. Four of five in-silico tools predict a damaging effect of the variant on protein function. The variant allele was found at a frequency of 0.0021 in 1461892 control chromosomes, predominantly at a frequency of 0.0026 within the Non-Finnish European subpopulation in the gnomAD database, including 6 homozygotes. The observed variant frequency within Non-Finnish European control individuals in the gnomAD database exceeds the estimated maximal expected allele frequency for a pathogenic variant in SH3TC2 causing Charcot-Marie-Tooth disease type 4C phenotype. c.3380G>A has been reported in the literature in individuals who underwent multi-gene panel testingfor Charcot-Marie-Tooth disease (e.g. Volodarsky_2021, Cortese_2020, Antoniadi_2015). These report(s) do not provide unequivocal conclusions about association of the variant with Charcot-Marie-Tooth disease type 4C. To our knowledge, no experimental evidence demonstrating an impact on protein function has been reported. The following publications have been ascertained in the context of this evaluation (PMID: 26392352, 31827005, 32376792). ClinVar contains an entry for this variant (Variation ID: 234414). Based on the evidence outlined above, the variant was classified as likely benign.

GeneDx
Classification: Uncertain significance. Last evaluated: 2024-12-23. Review status: criteria provided, single submitter. Criteria: GeneDx Variant Classification Process June 2021. Collection method: clinical testing. Allele origin: germline. Affected: yes.
Comment: Reported in the heterozygous state in three individuals with symptoms of CMT1 and was described as being a variant of unknown significance (PMID: 26392352); Identified in patients with suspected Charcot-Marie-Tooth disease; however, no further clinical or segregation information was provided (PMID: 32376792); In silico analysis supports that this missense variant has a deleterious effect on protein structure/function; This variant is associated with the following publications: (PMID: 26872463, 27535533, 32376792, 26392352)

Blueprint Genetics
Classification: Uncertain significance. Last evaluated: 2024-09-20. Review status: criteria provided, single submitter. Criteria: ACMG Guidelines, 2015. Collection method: clinical testing. Allele origin: germline.

ARUP Laboratories, Molecular Genetics and Genomics, ARUP Laboratories
Classification: Uncertain significance. Last evaluated: 2020-12-16. Review status: criteria provided, single submitter. Criteria: ARUP Molecular Germline Variant Investigation Process 2021. Collection method: clinical testing. Allele origin: germline.
Comment: The SH3TC2 c.3380G>A; p.Arg1127Gln variant (rs139192433) is reported in the literature a cohort of individuals affected with inherited peripheral neuropathy, although its clinical significance was considered uncertain (Antoniadi 2015). This variant is found in the non-Finnish European population with an overall allele frequency of 0.19% (247/129184 alleles, including one homozygote) in the Genome Aggregation Database. The arginine at codon 1127 is highly conserved, but computational analyses are uncertain whether this variant is neutral or deleterious (REVEL: 0.573). Although it population frequency is inconsistent with dominant disease, since a role in autosomal recessive disease cannot be ruled out, the clinical significance of the p.Arg1127Gln variant is uncertain at this time. References: Antoniadi et al. Application of targeted multi-gene panel testing for the diagnosis of inherited peripheral neuropathy provides a high diagnostic yield with unexpected phenotype-genotype variability. BMC Med Genet. 2015 Sep 21;16:84.

Practice for Gait Abnormalities, David Pomarino, Competency Network Toe Walking C/o Practice Pomarino
Classification: Uncertain significance for toe walking; pes cavus; delayed speech development; limited range of motion of the upper ankle. Last evaluated: 2020-10-06. Review status: criteria provided, single submitter. Criteria: ACMG Guidelines, 2015. Collection method: clinical testing. Allele origin: unknown. Inheritance: Autosomal dominant inheritance. Affected: yes. Observed: 1 variant allele, 1 heterozygote.